The following is an entry in ClinVar:

NM_001320.7(CSNK2B):c.558-2A>G

Gene: CSNK2B (casein kinase 2 beta; plus strand). Cytogenetic location: 6p21.33.
Variant type: single nucleotide variant.
Coding change: c.558-2A>G on transcript NM_001320.7 (MANE Select); the canonical splice acceptor site of the intron before coding-DNA position 558, A replaced by G.
Molecular consequence: splice acceptor variant.
Genome position (GRCh38, 1-based): chr6:31,669,834, A>G. VCF-style: chr6-31669834-A-G. GRCh37 (hg19) VCF-style: chr6-31637611-A-G.
Other names: c.549-2A>G (NM_001282385.2).
Identifiers: ClinVar variation 3342386 (VCV003342386.2).

ClinVar aggregate classification (germline): Pathogenic. Review status: criteria provided, multiple submitters, no conflicts (2 of 4 stars). 2 submissions from 2 submitters: Pathogenic (2). Last evaluated 2025-08-21.

Conditions:
Poirier-Bienvenu neurodevelopmental syndrome (POBINDS). Identifiers: Orphanet 689397, MedGen C5231482, MONDO:0032889, OMIM 618732.

Submissions (2):

Institute of Immunology and Genetics Kaiserslautern
Classification: Pathogenic for Poirier-Bienvenu neurodevelopmental syndrome. Last evaluated: 2025-08-21. Review status: criteria provided, single submitter. Criteria: ACMG Guidelines, 2015. Collection method: clinical testing. Allele origin: germline. Affected: yes.
Comment: ACMG Criteria: PVS1, PM2, PM5; Variant was found in heterozygous state.

GeneDx
Classification: Pathogenic. Last evaluated: 2023-05-26. Review status: criteria provided, single submitter. Criteria: GeneDx Variant Classification Process June 2021. Collection method: clinical testing. Allele origin: germline. Affected: yes.
Comment: Canonical splice site variant predicted to result in a null allele in a gene for which loss of function is a known mechanism of disease; Not observed at significant frequency in large population cohorts (gnomAD); This variant is associated with the following publications: (PMID: 34041744)